The following is an entry in ClinVar:

NM_198253.3(TERT):c.2637C>G (p.His879Gln)

Gene: TERT (telomerase reverse transcriptase; minus strand). Cytogenetic location: 5p15.33.
Variant type: single nucleotide variant.
Coding change: c.2637C>G on transcript NM_198253.3 (MANE Select); coding-DNA position 2637, C replaced by G.
Protein change: p.His879Gln; replaces histidine 879 with glutamine.
Molecular consequence: missense variant. On other transcripts: non-coding transcript variant (2).
Genome position (GRCh38, 1-based): chr5:1,266,481, G>C on the plus strand (C>G on the coding strand, the complement: TERT is on the minus strand). VCF-style: chr5-1266481-G-C. GRCh37 (hg19) VCF-style: chr5-1266596-G-C.
Other names: c.2637C>G, p.His879Gln (NM_001193376.3); short protein forms H879Q.
Identifiers: ClinVar variation 956527 (VCV000956527.12), dbSNP rs1307380469, ClinGen allele CA359073154.
Genomic context (GRCh38, chr5:1,266,481, plus strand): 5'-ACAGGCTGTGGAGGTCCCCACAGACACACGGCACGGGCCTCACCTGAGGAAGGTTTTCGC[G>C]TGGGTGAGGTGAGGTGTCACCAACAAGAAATCATCCACCAAACGCAGGAGCAGCCTAAAA-3'
Protein context (NP_937983.2, residues 869-889): DFLLVTPHLT[His879Gln]AKTFLRTLVR

ClinVar aggregate classification (germline): Conflicting classifications of pathogenicity. Review status: criteria provided, conflicting classifications (1 of 4 stars). 2 submissions from 2 submitters: Uncertain significance (1); Likely benign (1). Last evaluated 2022-07-14.

Conditions:
Dyskeratosis congenita, autosomal dominant 2. Identifiers: MedGen C3151443, MONDO:0013521, OMIM 613989.
Idiopathic Pulmonary Fibrosis. Also called: Idiopathic fibrosing alveolitis, chronic form; idiopathic fibrosing alveolitis. Identifiers: Orphanet 2032, MedGen C1800706, MeSH D054990, MONDO:0800504.
Dyskeratosis congenita. Identifiers: Orphanet 1775, MedGen C0265965, MONDO:0015780.

Submissions (2):

Ambry Genetics
Classification: Likely benign for Dyskeratosis congenita. Last evaluated: 2022-07-14. Review status: criteria provided, single submitter. Criteria: Ambry Variant Classification Scheme 2023. Collection method: clinical testing. Allele origin: germline.

Labcorp Genetics (formerly Invitae), Labcorp
Classification: Uncertain significance for Dyskeratosis congenita, autosomal dominant 2; Idiopathic Pulmonary Fibrosis. Last evaluated: 2019-07-09. Review status: criteria provided, single submitter. Criteria: Invitae Variant Classification Sherloc (09022015). Collection method: clinical testing. Allele origin: germline.
Comment: In summary, the available evidence is currently insufficient to determine the role of this variant in disease. Therefore, it has been classified as a Variant of Uncertain Significance. Algorithms developed to predict the effect of sequence changes on RNA splicing suggest that this variant may create or strengthen a splice site, but this prediction has not been confirmed by published transcriptional studies. Algorithms developed to predict the effect of missense changes on protein structure and function output the following: SIFT: "Tolerated"; PolyPhen-2: "Benign"; Align-GVGD: "Class C0". The glutamine amino acid residue is found in multiple mammalian species, suggesting that this missense change does not adversely affect protein function. These predictions have not been confirmed by published functional studies and their clinical significance is uncertain. This variant has not been reported in the literature in individuals with TERT-related conditions. This variant is not present in population databases (ExAC no frequency). This sequence change replaces histidine with glutamine at codon 879 of the TERT protein (p.His879Gln). The histidine residue is weakly conserved and there is a small physicochemical difference between histidine and glutamine.